The following is an entry in ClinVar:

NM_016169.4(SUFU):c.249C>A (p.Asn83Lys)

Gene: SUFU (SUFU negative regulator of hedgehog signaling; plus strand). Cytogenetic location: 10q24.32.
Variant type: single nucleotide variant.
Coding change: c.249C>A on transcript NM_016169.4 (MANE Select); coding-DNA position 249, C replaced by A.
Protein change: p.Asn83Lys; replaces asparagine 83 with lysine.
Molecular consequence: missense variant.
Genome position (GRCh38, 1-based): chr10:102,509,235, C>A. VCF-style: chr10-102509235-C-A. GRCh37 (hg19) VCF-style: chr10-104268992-C-A.
Other names: c.249C>A, p.Asn83Lys (NM_001178133.2); short protein forms N83K.
Identifiers: ClinVar variation 4827217 (VCV004827217.1).

ClinVar aggregate classification (germline): Uncertain significance (1 of 4 stars; one submission).

Conditions:
Hereditary cancer-predisposing syndrome. Also called: Neoplastic Syndromes, Hereditary; Tumor predisposition; Hereditary Cancer Syndrome; Hereditary neoplastic syndrome. Identifiers: Orphanet 140162, MedGen C0027672, MeSH D009386, MONDO:0015356.

Submission:

Ambry Genetics
Classification: Uncertain significance for Hereditary cancer-predisposing syndrome. Last evaluated: 2026-02-28. Review status: criteria provided, single submitter. Criteria: Ambry Variant Classification Scheme 2023. Collection method: clinical testing. Allele origin: germline.
Comment: The p.N83K variant (also known as c.249C>A), located in coding exon 2 of the SUFU gene, results from a C to A substitution at nucleotide position 249. The asparagine at codon 83 is replaced by lysine, an amino acid with similar properties. This amino acid position is conserved. In addition, this alteration is predicted to be tolerated by in silico analysis. Based on the available evidence, the clinical significance of this variant remains unclear.